The following is an entry in ClinVar:

NM_001103.4(ACTN2):c.2154+5G>A

Gene: ACTN2 (actinin alpha 2; plus strand). Cytogenetic location: 1q43.
Variant type: single nucleotide variant.
Coding change: c.2154+5G>A on transcript NM_001103.4 (MANE Select); 5 bases into the intron after coding-DNA position 2154, G replaced by A.
Molecular consequence: intron variant.
Genome position (GRCh38, 1-based): chr1:236,755,203, G>A. VCF-style: chr1-236755203-G-A. GRCh37 (hg19) VCF-style: chr1-236918503-G-A.
Other names: c.1530+5G>A (NM_001278344.2); c.2154+5G>A (NM_001278343.2).
Identifiers: ClinVar variation 660556 (VCV000660556.16), dbSNP rs767655336, ClinGen allele CA39741960.

ClinVar aggregate classification (germline): Conflicting classifications of pathogenicity. Review status: criteria provided, conflicting classifications (1 of 4 stars). 5 submissions from 5 submitters: Uncertain significance (4); Likely benign (1). Last evaluated 2026-01-11.

Conditions:
Dilated cardiomyopathy 1AA (CMD1AA). Also called: CARDIOMYOPATHY, DILATED, 1AA, WITH OR WITHOUT LEFT VENTRICULAR NONCOMPACTION; CARDIOMYOPATHY, FAMILIAL HYPERTROPHIC, 23, WITH OR WITHOUT LEFT VENTRICULAR NONCOMPACTION; Cardiomyopathy, dilated, 1AA, with or without LVNC. Identifiers: Orphanet 154, MedGen C2677338, MONDO:0012808, OMIM 612158.
Myopathy, congenital, with structured cores and z-line abnormalities. Also called: MULTIPLE STRUCTURED CORE DISEASE; CONGENITAL MYOPATHY 8. Identifiers: MedGen C5231445, MONDO:0032852, OMIM 618654.
Myopathy, distal, 6, adult-onset, autosomal dominant. Identifiers: MedGen C5203349, MONDO:0032853, OMIM 618655.
Cardiovascular phenotype. Identifiers: MedGen CN230736.
Primary familial hypertrophic cardiomyopathy (HCM). Identifiers: Orphanet 99739, MedGen C0949658, MeSH D024741, MONDO:0024573. Inheritance: Various modes of inheritance.

Allele frequency attached by ClinVar (database versions not stated): gnomAD exomes 0.00001 and 0.00006; gnomAD 0.00002; TOPMed 0.00002.
gnomAD v4.1: 93 of 1,613,942 alleles (0.0058%); highest among the groups gnomAD compares: Non-Finnish European, 0.0075%; no homozygotes.

Submissions (5):

Labcorp Genetics (formerly Invitae), Labcorp
Classification: Uncertain significance for Primary familial hypertrophic cardiomyopathy; Dilated cardiomyopathy 1AA. Last evaluated: 2026-01-11. Review status: criteria provided, single submitter. Criteria: Invitae Variant Classification Sherloc (09022015). Collection method: clinical testing. Allele origin: germline.
Comment: This sequence change falls in intron 17 of the ACTN2 gene. It does not directly change the encoded amino acid sequence of the ACTN2 protein. It affects a nucleotide within the consensus splice site. The frequency data for this variant in the population databases is considered unreliable, as metrics indicate poor data quality at this position in the gnomAD database. This variant has not been reported in the literature in individuals affected with ACTN2-related conditions. ClinVar contains an entry for this variant (Variation ID: 660556). Variants that disrupt the consensus splice site are a relatively common cause of aberrant splicing (PMID: 17576681, 9536098). Algorithms developed to predict the effect of sequence changes on RNA splicing suggest that this variant is not likely to affect RNA splicing. In summary, the available evidence is currently insufficient to determine the role of this variant in disease. Therefore, it has been classified as a Variant of Uncertain Significance.

Ambry Genetics
Classification: Uncertain significance for Cardiovascular phenotype. Last evaluated: 2025-01-06. Review status: criteria provided, single submitter. Criteria: Ambry Variant Classification Scheme 2023. Collection method: clinical testing. Allele origin: germline.
Comment: The c.2154+5G>A intronic variant results from a G to A substitution 5 nucleotides after coding exon 17 in the ACTN2 gene. This nucleotide position is not well conserved in available vertebrate species. In silico splice site analysis predicts that this alteration will not have any significant effect on splicing. Since supporting evidence is limited at this time, the clinical significance of this alteration remains unclear.

Blueprint Genetics
Classification: Likely benign. Last evaluated: 2021-12-22. Review status: criteria provided, single submitter. Criteria: ACMG Guidelines, 2015. Collection method: clinical testing. Allele origin: germline.

Fulgent Genetics
Classification: Uncertain significance for Dilated cardiomyopathy 1AA; Myopathy, congenital, with structured cores and z-line abnormalities; Myopathy, distal, 6, adult-onset, autosomal dominant. Last evaluated: 2021-08-10. Review status: criteria provided, single submitter. Criteria: ACMG Guidelines, 2015. Collection method: clinical testing. Allele origin: unknown.

Illumina Laboratory Services, Illumina
Classification: Uncertain significance for Dilated cardiomyopathy 1AA. Last evaluated: 2018-01-12. Review status: criteria provided, single submitter. Criteria: ICSL Variant Classification Criteria 13 December 2019. Collection method: clinical testing. Allele origin: germline.

Literature cited by the submitters: PubMed 17576681 (cited by Labcorp Genetics (formerly Invitae), Labcorp); PubMed 9536098 (cited by Labcorp Genetics (formerly Invitae), Labcorp).